The following is an entry in ClinVar:

ClinVar aggregate classification (germline): Uncertain significance. Review status: criteria provided, multiple submitters, no conflicts (2 of 4 stars). 2 submissions from 2 submitters: Uncertain significance (2). Last evaluated 2025-09-19.

Allele frequency attached by ClinVar (database versions not stated): gnomAD exomes 0.00004 and 0.00009; ExAC 0.00007; ESP Exome Variant Server 0.00016; gnomAD 0.00016 and 0.00018; TOPMed 0.00025; 1000 Genomes Project 0.00060; 1000 Genomes Project 30x 0.00078.
gnomAD v4.1: 94 of 1,614,058 alleles (0.0058%); highest among the groups gnomAD compares: African/African-American, 0.073%; no homozygotes.

Submissions (2):

Labcorp Genetics (formerly Invitae), Labcorp
Classification: Uncertain significance. Last evaluated: 2025-09-19. Review status: criteria provided, single submitter. Criteria: Invitae Variant Classification Sherloc (09022015). Collection method: clinical testing. Allele origin: germline.
Comment: This sequence change replaces asparagine, which is neutral and polar, with serine, which is neutral and polar, at codon 291 of the SAG protein (p.Asn291Ser). This variant is present in population databases (rs183067388, gnomAD 0.1%). This variant has not been reported in the literature in individuals affected with SAG-related conditions. ClinVar contains an entry for this variant (Variation ID: 1345594). Invitae Evidence Modeling of protein sequence and biophysical properties (such as structural, functional, and spatial information, amino acid conservation, physicochemical variation, residue mobility, and thermodynamic stability) indicates that this missense variant is not expected to disrupt SAG protein function with a negative predictive value of 80%. In summary, the available evidence is currently insufficient to determine the role of this variant in disease. Therefore, it has been classified as a Variant of Uncertain Significance.

Blueprint Genetics
Classification: Uncertain significance. Last evaluated: 2024-07-05. Review status: criteria provided, single submitter. Criteria: ACMG Guidelines, 2015. Collection method: clinical testing. Allele origin: germline.

NM_000541.5(SAG):c.872A>G (p.Asn291Ser)

Gene: SAG (S-antigen visual arrestin; plus strand). Cytogenetic location: 2q37.1.
Variant type: single nucleotide variant.
Coding change: c.872A>G on transcript NM_000541.5 (MANE Select); coding-DNA position 872, A replaced by G.
Protein change: p.Asn291Ser; replaces asparagine 291 with serine.
Molecular consequence: missense variant.
Genome position (GRCh38, 1-based): chr2:233,335,027, A>G. VCF-style: chr2-233335027-A-G. GRCh37 (hg19) VCF-style: chr2-234243673-A-G.
Other names: short protein forms N291S.
Identifiers: ClinVar variation 1345594 (VCV001345594.7), dbSNP rs183067388, ClinGen allele CA2174570.